The following is an entry in ClinVar:

NM_020297.4(ABCC9):c.2198+4T>C

Gene: ABCC9 (ATP binding cassette subfamily C member 9; minus strand). Cytogenetic location: 12p12.1.
Variant type: single nucleotide variant.
Coding change: c.2198+4T>C on transcript NM_020297.4 (MANE Select); 4 bases into the intron after coding-DNA position 2198, T replaced by C.
Molecular consequence: intron variant.
Genome position (GRCh38, 1-based): chr12:21,872,621, A>G on the plus strand (T>C on the coding strand, the complement: ABCC9 is on the minus strand). VCF-style: chr12-21872621-A-G. GRCh37 (hg19) VCF-style: chr12-22025555-A-G.
Other names: c.1334+4T>C (NM_001377274.1); c.2198+4T>C (NM_005691.4, NM_001377273.1).
Identifiers: ClinVar variation 3224915 (VCV003224915.2), dbSNP rs1274858674, ClinGen allele CA603670971.

ClinVar aggregate classification (germline): Uncertain significance. Review status: criteria provided, multiple submitters, no conflicts (2 of 4 stars). 2 submissions from 2 submitters: Uncertain significance (2). Last evaluated 2025-12-24.

Conditions:
Dilated cardiomyopathy 1O (CMD1O). Also called: CARDIOMYOPATHY, DILATED, WITH VENTRICULAR TACHYCARDIA. Identifiers: Orphanet 154, MedGen C1837839, MONDO:0012062, OMIM 608569.
Cardiovascular phenotype. Identifiers: MedGen CN230736.

Allele frequency attached by ClinVar (database versions not stated): gnomAD exomes below 0.00001; gnomAD 0.00001.
gnomAD v4.1: 4 of 1,608,694 alleles (0.00025%); highest among the groups gnomAD compares: African/African-American, 0.0027%; no homozygotes.

Submissions (2):

Labcorp Genetics (formerly Invitae), Labcorp
Classification: Uncertain significance for Dilated cardiomyopathy 1O. Last evaluated: 2025-12-24. Review status: criteria provided, single submitter. Criteria: Invitae Variant Classification Sherloc (09022015). Collection method: clinical testing. Allele origin: germline.
Comment: This sequence change falls in intron 16 of the ABCC9 gene. It does not directly change the encoded amino acid sequence of the ABCC9 protein. It affects a nucleotide within the consensus splice site. This variant is present in population databases (no rsID available, gnomAD 0.003%). This variant has not been reported in the literature in individuals affected with ABCC9-related conditions. ClinVar contains an entry for this variant (Variation ID: 3224915). Variants that disrupt the consensus splice site are a relatively common cause of aberrant splicing (PMID: 17576681, 9536098). Algorithms developed to predict the effect of sequence changes on RNA splicing suggest that this variant is not likely to affect RNA splicing. In summary, the available evidence is currently insufficient to determine the role of this variant in disease. Therefore, it has been classified as a Variant of Uncertain Significance.

Ambry Genetics
Classification: Uncertain significance for Cardiovascular phenotype. Last evaluated: 2023-02-22. Review status: criteria provided, single submitter. Criteria: Ambry Variant Classification Scheme 2023. Collection method: clinical testing. Allele origin: germline.
Comment: The c.2198+4T>C intronic variant results from a T to C substitution 4 nucleotides after coding exon 16 in the ABCC9 gene. This nucleotide position is not well conserved in available vertebrate species. In silico splice site analysis predicts that this alteration will not have any significant effect on splicing. Since supporting evidence is limited at this time, the clinical significance of this alteration remains unclear.

Literature cited by the submitters: PubMed 17576681 (cited by Labcorp Genetics (formerly Invitae), Labcorp); PubMed 9536098 (cited by Labcorp Genetics (formerly Invitae), Labcorp).